The following is an entry in ClinVar:

ClinVar aggregate classification (germline): Conflicting classifications of pathogenicity. Review status: criteria provided, conflicting classifications (1 of 4 stars). 6 submissions from 6 submitters: Uncertain significance (2); Likely benign (3). 1 of the submissions does not count toward it. Last evaluated 2025-12-30.

Conditions:
Infantile nephronophthisis (NPHP2). Also called: Nephronophthisis 2, infantile; Nephronophthisis 2. Identifiers: Orphanet 655, Orphanet 93591, MedGen C1865872, MONDO:0011190, OMIM 602088.
INVS-related disorder. Also called: INVS-related condition.
Nephronophthisis. Also called: Juvenile Nephronophthisis. Identifiers: Orphanet 655, MedGen C0687120, MONDO:0019005, HP:0000090.

Allele frequency attached by ClinVar (database versions not stated): gnomAD exomes 0.00006 and 0.00018; ExAC 0.00023; 1000 Genomes Project 30x 0.00062; 1000 Genomes Project 0.00080; gnomAD 0.00083 and 0.00087; TOPMed 0.00083; ESP Exome Variant Server 0.00100.
gnomAD v4.1: 222 of 1,614,142 alleles (0.014%); highest among the groups gnomAD compares: African/African-American, 0.26%; no homozygotes.

Submissions (6):

Labcorp Genetics (formerly Invitae), Labcorp
Classification: Likely benign for Nephronophthisis. Last evaluated: 2025-12-30. Review status: criteria provided, single submitter. Criteria: Invitae Variant Classification Sherloc (09022015). Collection method: clinical testing. Allele origin: germline.

Mayo Clinic Laboratories, Mayo Clinic
Classification: Likely benign. Last evaluated: 2025-08-12. Review status: criteria provided, single submitter. Criteria: ACMG Guidelines, 2015. Collection method: clinical testing. Allele origin: germline. Observed: 2 variant alleles.
Comment: BS1, BP4_moderate

Blueprint Genetics
Classification: Likely benign. Last evaluated: 2024-10-18. Review status: criteria provided, single submitter. Criteria: ACMG Guidelines, 2015. Collection method: clinical testing. Allele origin: germline.

Illumina Laboratory Services, Illumina
Classification: Uncertain significance for Infantile nephronophthisis. Last evaluated: 2018-01-12. Review status: criteria provided, single submitter. Criteria: ICSL Variant Classification Criteria 13 December 2019. Collection method: clinical testing. Allele origin: germline.

Eurofins Ntd Llc (ga)
Classification: Uncertain significance. Last evaluated: 2017-10-09. Review status: criteria provided, single submitter. Criteria: EGL Classification Definitions 2015. Collection method: clinical testing. Allele origin: germline. Observed: 5 variant alleles, 5 heterozygotes.

PreventionGenetics, part of Exact Sciences
Classification: Likely benign for INVS-related condition. Last evaluated: 2022-01-28. Review status: no assertion criteria provided. Collection method: clinical testing. Allele origin: germline. Not counted in ClinVar's aggregate classification.
Comment: This variant is classified as likely benign based on ACMG/AMP sequence variant interpretation guidelines (Richards et al. 2015 PMID: 25741868, with internal and published modifications).

NM_014425.5(INVS):c.1945G>A (p.Val649Met)

Gene: INVS (inversin; plus strand). Cytogenetic location: 9q31.1.
Variant type: single nucleotide variant.
Coding change: c.1945G>A on transcript NM_014425.5 (MANE Select); coding-DNA position 1945, G replaced by A.
Protein change: p.Val649Met; replaces valine 649 with methionine.
Molecular consequence: missense variant. On other transcripts: non-coding transcript variant (1).
Genome position (GRCh38, 1-based): chr9:100,284,480, G>A. VCF-style: chr9-100284480-G-A. GRCh37 (hg19) VCF-style: chr9-103046762-G-A.
Other names: p.Val649Met; c.1657G>A, p.Val553Met (NM_001318381.2); c.967G>A, p.Val323Met (NM_001318382.2); c.1945G>A (NM_014425.4); short protein forms V649M, V323M, V553M.
Identifiers: ClinVar variation 220405 (VCV000220405.23), dbSNP rs115042730, ClinGen allele CA350505.